The following is an entry in ClinVar:

ClinVar aggregate classification (germline): Uncertain significance (1 of 4 stars; one submission).

Conditions:
CCM2-related disorder. Also called: CCM2-related condition.

Submission:

PreventionGenetics, part of Exact Sciences
Classification: Uncertain significance for CCM2-related condition. Last evaluated: 2025-04-15. Review status: criteria provided, single submitter. Criteria: ACMG Guidelines, 2015. Collection method: clinical testing. Allele origin: germline.
Comment: The CCM2 c.307G>A variant is predicted to result in the amino acid substitution p.Gly103Arg. To our knowledge, this variant has not been reported in the literature or in a large population database (gnomAD), indicating this variant is rare. At this time, the clinical significance of this variant is uncertain due to the absence of conclusive functional and genetic evidence.

NM_031443.4(CCM2):c.307G>A (p.Gly103Arg)

Gene: CCM2 (CCM2 scaffold protein; plus strand). Cytogenetic location: 7p13.
Variant type: single nucleotide variant.
Coding change: c.307G>A on transcript NM_031443.4 (MANE Select); coding-DNA position 307, G replaced by A.
Protein change: p.Gly103Arg; replaces glycine 103 with arginine.
Molecular consequence: missense variant. On other transcripts: non-coding transcript variant (1).
Genome position (GRCh38, 1-based): chr7:45,064,481, G>A. VCF-style: chr7-45064481-G-A. GRCh37 (hg19) VCF-style: chr7-45104080-G-A.
Other names: c.370G>A, p.Gly124Arg (NM_001029835.2); c.133G>A, p.Gly45Arg (NM_001167934.2, NM_001363459.2); c.307G>A, p.Gly103Arg (NM_001167935.2, NM_001363458.2); short protein forms G124R, G45R, G103R.
Identifiers: ClinVar variation 4998123 (VCV004998123.1).